The following is an entry in ClinVar:

NM_032482.3(DOT1L):c.3710A>G (p.Asn1237Ser)

Gene: DOT1L (DOT1 like histone lysine methyltransferase; plus strand). Cytogenetic location: 19p13.3.
Variant type: single nucleotide variant.
Coding change: c.3710A>G on transcript NM_032482.3 (MANE Select); coding-DNA position 3710, A replaced by G.
Protein change: p.Asn1237Ser; replaces asparagine 1237 with serine.
Molecular consequence: missense variant.
Genome position (GRCh38, 1-based): chr19:2,226,231, A>G. VCF-style: chr19-2226231-A-G. GRCh37 (hg19) VCF-style: chr19-2226230-A-G.
Other names: c.3710A>G, p.Asn1237Ser (NM_001411141.1); short protein forms N1237S.
Identifiers: ClinVar variation 3085405 (VCV003085405.2), dbSNP rs746296299, ClinGen allele CA9061376.

ClinVar aggregate classification (germline): Likely benign. Review status: criteria provided, multiple submitters, no conflicts (2 of 4 stars). 2 submissions from 2 submitters: Likely benign (2). Last evaluated 2026-08-01.

Conditions:
Inborn genetic diseases. Identifiers: MedGen C0950123, MeSH D030342.

Allele frequency attached by ClinVar (database versions not stated): gnomAD exomes 0.00003; TOPMed 0.00005; gnomAD 0.00007; ExAC 0.00009.
gnomAD v4.1: 56 of 1,551,336 alleles (0.0036%); highest among the groups gnomAD compares: African/African-American, 0.021%; no homozygotes.

Submissions (2):

CeGaT Center for Human Genetics Tuebingen
Classification: Likely benign. Last evaluated: 2026-08-01. Review status: criteria provided, single submitter. Criteria: CeGaT Center For Human Genetics Tuebingen Variant Classification Criteria Version 2. Collection method: clinical testing. Allele origin: germline. Affected: yes. Observed: 1 variant allele.
Comment: DOT1L: BP4

Ambry Genetics
Classification: Likely benign for Inborn genetic diseases. Last evaluated: 2024-03-01. Review status: criteria provided, single submitter. Criteria: Ambry Variant Classification Scheme 2023. Collection method: clinical testing. Allele origin: germline.